The following is an entry in ClinVar:

NM_004380.3(CREBBP):c.4073T>C (p.Phe1358Ser)

Gene: CREBBP (CREB binding lysine acetyltransferase; minus strand). Cytogenetic location: 16p13.3.
Variant type: single nucleotide variant.
Coding change: c.4073T>C on transcript NM_004380.3 (MANE Select); coding-DNA position 4073, T replaced by C.
Protein change: p.Phe1358Ser; replaces phenylalanine 1358 with serine.
Molecular consequence: missense variant.
Genome position (GRCh38, 1-based): chr16:3,740,459, A>G on the plus strand (T>C on the coding strand, the complement: CREBBP is on the minus strand). VCF-style: chr16-3740459-A-G. GRCh37 (hg19) VCF-style: chr16-3790460-A-G.
Other names: c.3959T>C, p.Phe1320Ser (NM_001079846.1); short protein forms F1320S, F1358S.
Identifiers: ClinVar variation 1206706 (VCV001206706.12), dbSNP rs762638591, ClinGen allele CA7869624.

ClinVar aggregate classification (germline): Conflicting classifications of pathogenicity. Review status: criteria provided, conflicting classifications (1 of 4 stars). 4 submissions from 4 submitters: Uncertain significance (2); Benign (1); Likely benign (1). Last evaluated 2026-01-15.

Conditions:
CREBBP-related disorder. Also called: CREBBP-related disorders; CREBBP-related condition.
Rubinstein-Taybi syndrome (RSTS). Identifiers: Orphanet 783, MedGen C0035934, MONDO:0019188.
Inborn genetic diseases. Identifiers: MedGen C0950123, MeSH D030342.

Allele frequency attached by ClinVar (database versions not stated): gnomAD exomes below 0.00001 and 0.00002; gnomAD 0.00001; ExAC 0.00002.
gnomAD v4.1: 17 of 1,614,086 alleles (0.0011%); highest among the groups gnomAD compares: East Asian, 0.0045%; no homozygotes.

Submissions (4):

Labcorp Genetics (formerly Invitae), Labcorp
Classification: Benign for Rubinstein-Taybi syndrome. Last evaluated: 2026-01-15. Review status: criteria provided, single submitter. Criteria: Invitae Variant Classification Sherloc (09022015). Collection method: clinical testing. Allele origin: germline.

PreventionGenetics, part of Exact Sciences
Classification: Uncertain significance for CREBBP-related condition. Last evaluated: 2025-12-22. Review status: criteria provided, single submitter. Criteria: ACMG Guidelines, 2015. Collection method: clinical testing. Allele origin: germline.
Comment: The CREBBP c.4073T>C variant is predicted to result in the amino acid substitution p.Phe1358Ser. To our knowledge, this variant has not been reported in the literature. This variant is reported in 0.016% of alleles in individuals of East Asian descent in gnomAD, which may be too common to be an undocumented primary cause of disease. Although we suspect that this variant may be benign, at this time, the clinical significance of this variant is uncertain due to the absence of conclusive functional and genetic evidence.

Ambry Genetics
Classification: Uncertain significance for Inborn genetic diseases. Last evaluated: 2024-02-05. Review status: criteria provided, single submitter. Criteria: Ambry Variant Classification Scheme 2023. Collection method: clinical testing. Allele origin: germline.

GeneDx
Classification: Likely benign. Last evaluated: 2021-01-11. Review status: criteria provided, single submitter. Criteria: GeneDx Variant Classification Process June 2021. Collection method: clinical testing. Allele origin: germline. Affected: yes.
Comment: Has not been previously published as pathogenic or benign to our knowledge; In silico analysis supports that this missense variant does not alter protein structure/function